The following is an entry in ClinVar:

NM_001330260.2(SCN8A):c.2702A>G (p.Tyr901Cys)

Gene: SCN8A (sodium voltage-gated channel alpha subunit 8; plus strand). Cytogenetic location: 12q13.13.
Variant type: single nucleotide variant.
Coding change: c.2702A>G on transcript NM_001330260.2 (MANE Select); coding-DNA position 2702, A replaced by G.
Protein change: p.Tyr901Cys; replaces tyrosine 901 with cysteine.
Molecular consequence: missense variant.
Genome position (GRCh38, 1-based): chr12:51,765,828, A>G. VCF-style: chr12-51765828-A-G. GRCh37 (hg19) VCF-style: chr12-52159612-A-G.
Other names: c.2702A>G, p.Tyr901Cys (NM_001177984.3, NM_001369788.1, NM_014191.4); short protein forms Y901C.
Identifiers: ClinVar variation 982944 (VCV000982944.4), dbSNP rs1942829767, ClinGen allele CA384887951.

ClinVar aggregate classification (germline): Uncertain significance. Review status: criteria provided, single submitter (1 of 4 stars). 2 submissions from 1 submitter: Uncertain significance (2). Last evaluated 2025-03-04.

Conditions:
Seizures, benign familial infantile, 5 (BFIS5). Also called: CONVULSIONS, BENIGN FAMILIAL INFANTILE, 5. Identifiers: Orphanet 306, MedGen C4310728, MONDO:0014903, OMIM 617080.
Developmental and epileptic encephalopathy, 13 (DEE13). Also called: Early infantile epileptic encephalopathy 13; SCN8A-Related Epilepsy; Developmental and Epileptic Encephalopathy (SCN8A-DEE). Identifiers: Orphanet 442835, MedGen C3281191, MONDO:0013801, OMIM 614558.

Allele frequency attached by ClinVar (database versions not stated): gnomAD exomes below 0.00001.
gnomAD v4.1: 1 of 1,614,022 alleles (0.000062%); highest among the groups gnomAD compares: East Asian, 0.0022%; no homozygotes.

Submissions (2):

Institute of Human Genetics, University of Leipzig Medical Center
Classification: Uncertain significance for Developmental and epileptic encephalopathy, 13. Last evaluated: 2025-03-04. Review status: criteria provided, single submitter. Criteria: ACMG Guidelines, 2015. Collection method: clinical testing. Allele origin: paternal. Inheritance: Autosomal recessive inheritance. Affected: yes.
Comment: Criteria applied: PP3_MOD,PM2_SUP; Identified as compund heterozygous with NM_014191.3:c.3583G>A

Institute of Human Genetics, University of Leipzig Medical Center
Classification: Uncertain significance for Seizures, benign familial infantile, 5. Last evaluated: 2022-12-07. Review status: criteria provided, single submitter. Criteria: ACMG Guidelines, 2015. Collection method: clinical testing. Allele origin: paternal. Affected: yes.
Comment: This variant was identified as compound heterozygous with NM_014191.4:c.3583G>A._x000D_ Criteria applied: PM1, PM2_SUP, PP3